The following is an entry in ClinVar:

NM_004260.4(RECQL4):c.1217A>G (p.Asn406Ser)

Gene: RECQL4 (RecQ like helicase 4; minus strand). Cytogenetic location: 8q24.3.
Variant type: single nucleotide variant.
Coding change: c.1217A>G on transcript NM_004260.4 (MANE Select); coding-DNA position 1217, A replaced by G.
Protein change: p.Asn406Ser; replaces asparagine 406 with serine.
Molecular consequence: missense variant.
Genome position (GRCh38, 1-based): chr8:144,515,805, T>C on the plus strand (A>G on the coding strand, the complement: RECQL4 is on the minus strand). VCF-style: chr8-144515805-T-C. GRCh37 (hg19) VCF-style: chr8-145741189-T-C.
Other names: short protein forms N406S.
Identifiers: ClinVar variation 572773 (VCV000572773.5), dbSNP rs1344133538, ClinGen allele CA372687446.

ClinVar aggregate classification (germline): Uncertain significance. Review status: criteria provided, multiple submitters, no conflicts (2 of 4 stars). 2 submissions from 2 submitters: Uncertain significance (2). Last evaluated 2025-02-16.

Conditions:
Inborn genetic diseases. Identifiers: MedGen C0950123, MeSH D030342.
Baller-Gerold syndrome (BGS). Also called: CRANIOSYNOSTOSIS WITH RADIAL DEFECTS. Identifiers: Orphanet 1225, MedGen C0265308, MONDO:0009039, OMIM 218600.

Allele frequency attached by ClinVar (database versions not stated): gnomAD exomes below 0.00001.
gnomAD v4.1: 4 of 1,612,782 alleles (0.00025%); highest among the groups gnomAD compares: Non-Finnish European, 0.00034%; no homozygotes.

Submissions (2):

Ambry Genetics
Classification: Uncertain significance for Inborn genetic diseases. Last evaluated: 2025-02-16. Review status: criteria provided, single submitter. Criteria: Ambry Variant Classification Scheme 2023. Collection method: clinical testing. Allele origin: germline.
Comment: The p.N406S variant (also known as c.1217A>G), located in coding exon 6 of the RECQL4 gene, results from an A to G substitution at nucleotide position 1217. The asparagine at codon 406 is replaced by serine, an amino acid with highly similar properties. This amino acid position is conserved. In addition, this alteration is predicted to be tolerated by in silico analysis. Based on the available evidence, the clinical significance of this variant remains unclear.

Labcorp Genetics (formerly Invitae), Labcorp
Classification: Uncertain significance for Baller-Gerold syndrome. Last evaluated: 2020-11-27. Review status: criteria provided, single submitter. Criteria: Invitae Variant Classification Sherloc (09022015). Collection method: clinical testing. Allele origin: germline.
Comment: This sequence change replaces asparagine with serine at codon 406 of the RECQL4 protein (p.Asn406Ser). The asparagine residue is weakly conserved and there is a small physicochemical difference between asparagine and serine. This variant is not present in population databases (ExAC no frequency). This variant has not been reported in the literature in individuals with RECQL4-related disease. Algorithms developed to predict the effect of missense changes on protein structure and function output the following: SIFT: "Tolerated"; PolyPhen-2: "Benign"; Align-GVGD: "Class C0". The serine amino acid residue is found in multiple mammalian species, suggesting that this missense change does not adversely affect protein function. These predictions have not been confirmed by published functional studies and their clinical significance is uncertain. In summary, the available evidence is currently insufficient to determine the role of this variant in disease. Therefore, it has been classified as a Variant of Uncertain Significance.